The following is an entry in ClinVar:

NM_004183.4(BEST1):c.1608T>C (p.Thr536=)

Gene: BEST1 (bestrophin 1; plus strand). Cytogenetic location: 11q12.3.
Variant type: single nucleotide variant.
Coding change: c.1608T>C on transcript NM_004183.4 (MANE Select); coding-DNA position 1608, T replaced by C.
Protein change: p.Thr536=; no amino-acid change (threonine 536 retained).
Molecular consequence: synonymous variant. On other transcripts: non-coding transcript variant (1).
Genome position (GRCh38, 1-based): chr11:61,962,762, T>C. VCF-style: chr11-61962762-T-C. GRCh37 (hg19) VCF-style: chr11-61730234-T-C.
Other names: c.1428T>C, p.Thr476= (NM_001139443.3, NM_001300787.2); c.1347T>C, p.Thr449= (NM_001300786.2); c.1290T>C, p.Thr430= (NM_001363591.3); c.*503T>C (NM_001363592.2); c.636T>C, p.Thr212= (NM_001363593.3).
Identifiers: ClinVar variation 99682 (VCV000099682.40), dbSNP rs1800009, ClinGen allele CA179801.

ClinVar aggregate classification (germline): Benign. Review status: criteria provided, multiple submitters, no conflicts (2 of 4 stars). 13 submissions from 13 submitters: Benign (9). 4 of the submissions do not count toward it. Last evaluated 2026-02-03.

Conditions:
Retinal dystrophy. Also called: Inherited retinal dystrophy. Identifiers: Orphanet 71862, MedGen C0854723, MeSH D058499, MONDO:0019118, HP:0000556.
Retinitis pigmentosa (RP). Identifiers: Orphanet 791, MedGen C0035334, MeSH D012174, MONDO:0019200, OMIM 268000. Inheritance: Autosomal dominant, autosomal recessive and X linked inheritance.

Allele frequency attached by ClinVar (database versions not stated): gnomAD exomes 0.38958 and 0.45985; ESP Exome Variant Server 0.39932; gnomAD 0.41922 and 0.43300; TOPMed 0.43840; ExAC 0.45834; 1000 Genomes Project 30x 0.58136; 1000 Genomes Project 0.59145.
gnomAD v4.1: 636,696 of 1,613,872 alleles (39%); highest among the groups gnomAD compares: East Asian, 90%; 138,198 homozygotes.

Submissions (13):

Labcorp Genetics (formerly Invitae), Labcorp
Classification: Benign. Last evaluated: 2026-02-03. Review status: criteria provided, single submitter. Criteria: Invitae Variant Classification Sherloc (09022015). Collection method: clinical testing. Allele origin: germline.

Blueprint Genetics
Classification: Benign. Last evaluated: 2024-11-27. Review status: criteria provided, single submitter. Criteria: ACMG Guidelines, 2015. Collection method: clinical testing. Allele origin: germline.

ARUP Laboratories, Molecular Genetics and Genomics, ARUP Laboratories
Classification: Benign. Last evaluated: 2023-11-29. Review status: criteria provided, single submitter. Criteria: ARUP Molecular Germline Variant Investigation Process 2024. Collection method: clinical testing. Allele origin: germline.

Dept Of Ophthalmology, Nagoya University
Classification: Benign for Retinal dystrophy. Last evaluated: 2023-10-01. Review status: criteria provided, single submitter. Criteria: Submitter's publication. Collection method: research. Allele origin: germline. Affected: yes.

Illumina Laboratory Services, Illumina
Classification: Benign for Retinitis pigmentosa. Last evaluated: 2018-01-13. Review status: criteria provided, single submitter. Criteria: ICSL Variant Classification Criteria 13 December 2019. Collection method: clinical testing. Allele origin: germline.
Comment: This variant was observed in the ICSL laboratory as part of a predisposition screen in an ostensibly healthy population. It had not been previously curated by ICSL or reported in the Human Gene Mutation Database (HGMD: prior to June 1st, 2018), and was therefore a candidate for classification through an automated scoring system. Utilizing variant allele frequency, disease prevalence and penetrance estimates, and inheritance mode, an automated score was calculated to assess if this variant is too frequent to cause the disease. Based on the score and internal cut-off values, a variant classified as benign is not then subjected to further curation. The score for this variant resulted in a classification of benign for this disease.

GeneDx
Classification: Benign. Last evaluated: 2015-03-03. Review status: criteria provided, single submitter. Criteria: GeneDx Variant Classification Process June 2021. Collection method: clinical testing. Allele origin: germline. Affected: yes.

Eurofins Ntd Llc (ga)
Classification: Benign. Last evaluated: 2014-04-16. Review status: criteria provided, single submitter. Criteria: EGL Classification Definitions 2015. Collection method: clinical testing. Allele origin: germline. Observed: 7 variant alleles, 3 heterozygotes, 4 homozygotes.

Breakthrough Genomics
Classification: Benign. Review status: criteria provided, single submitter. Criteria: ACMG Guidelines, 2015. Collection method: not provided. Allele origin: germline. Inheritance: Autosomal dominant inheritance. Affected: yes.

PreventionGenetics, part of Exact Sciences
Classification: Benign. Review status: criteria provided, single submitter. Criteria: ACMG Guidelines, 2015. Collection method: clinical testing. Allele origin: germline.

Clinical Genetics DNA and cytogenetics Diagnostics Lab, Erasmus MC, Erasmus Medical Center
Classification: Benign. Review status: no assertion criteria provided. Collection method: clinical testing. Allele origin: germline. Affected: yes. Study: VKGL Data-share Consensus. Not counted in ClinVar's aggregate classification.

Diagnostic Laboratory, Department of Genetics, University Medical Center Groningen
Classification: Benign. Review status: no assertion criteria provided. Collection method: clinical testing. Allele origin: germline. Affected: yes. Study: VKGL Data-share Consensus. Not counted in ClinVar's aggregate classification.

Joint Genome Diagnostic Labs from Nijmegen and Maastricht, Radboudumc and MUMC+
Classification: Benign. Review status: no assertion criteria provided. Collection method: clinical testing. Allele origin: germline. Affected: yes. Study: VKGL Data-share Consensus. Not counted in ClinVar's aggregate classification.

Retina International
No classification provided. Review status: no classification provided. Collection method: not provided. Allele origin: unknown. Not counted in ClinVar's aggregate classification.